The following is an entry in ClinVar:

ClinVar aggregate classification (germline): Uncertain significance (1 of 4 stars; one submission).

Conditions:
Perlman syndrome (PRLMNS). Identifiers: Orphanet 2849, MedGen C0796113, MONDO:0009965, OMIM 267000.

Allele frequency attached by ClinVar (database versions not stated): gnomAD exomes below 0.00001.
gnomAD v4.1: 7 of 1,609,050 alleles (0.00044%); highest among the groups gnomAD compares: Non-Finnish European, 0.00059%; no homozygotes.

Submission:

Labcorp Genetics (formerly Invitae), Labcorp
Classification: Uncertain significance for Perlman syndrome. Last evaluated: 2024-02-23. Review status: criteria provided, single submitter. Criteria: Invitae Variant Classification Sherloc (09022015). Collection method: clinical testing. Allele origin: germline.
Comment: This sequence change replaces alanine, which is neutral and non-polar, with threonine, which is neutral and polar, at codon 639 of the DIS3L2 protein (p.Ala639Thr). This variant is present in population databases (no rsID available, gnomAD 0.0009%). This variant has not been reported in the literature in individuals affected with DIS3L2-related conditions. ClinVar contains an entry for this variant (Variation ID: 531949). Advanced modeling of protein sequence and biophysical properties (such as structural, functional, and spatial information, amino acid conservation, physicochemical variation, residue mobility, and thermodynamic stability) performed at Invitae indicates that this missense variant is not expected to disrupt DIS3L2 protein function with a negative predictive value of 80%. In summary, the available evidence is currently insufficient to determine the role of this variant in disease. Therefore, it has been classified as a Variant of Uncertain Significance.

NM_152383.5(DIS3L2):c.1915G>A (p.Ala639Thr)

Gene: DIS3L2 (DIS3 like 3'-5' exoribonuclease 2; plus strand). Cytogenetic location: 2q37.1.
Variant type: single nucleotide variant.
Coding change: c.1915G>A on transcript NM_152383.5 (MANE Select); coding-DNA position 1915, G replaced by A.
Protein change: p.Ala639Thr; replaces alanine 639 with threonine.
Molecular consequence: missense variant. On other transcripts: non-coding transcript variant (2), intron variant (1).
Genome position (GRCh38, 1-based): chr2:232,329,988, G>A. VCF-style: chr2-232329988-G-A. GRCh37 (hg19) VCF-style: chr2-233194698-G-A.
Other names: c.1582-13357G>A (NM_001257281.2); short protein forms A639T.
Identifiers: ClinVar variation 531949 (VCV000531949.6), dbSNP rs762363254, ClinGen allele CA350976293.
Genomic context (GRCh38, chr2:232,329,988, plus strand): 5'-AGTGACCTGGTGGAATTCTGCGACCAGATGGGGCTGCCCGTGGACTTCAGCTCCGCAGGA[G>A]CCCTCAATGTGAGTGGTGGGCAGGATTCGGGGGAGGCCCTGCTTGGGGGAAAGAAGAGAA-3'
Protein context (NP_689596.4, residues 629-649): GLPVDFSSAG[Ala639Thr]LNKSLTQTFG